The following is an entry in ClinVar:

NM_001194998.2(CEP152):c.863G>A (p.Arg288Gln)

Gene: CEP152 (centrosomal protein 152; minus strand). Cytogenetic location: 15q21.1.
Variant type: single nucleotide variant.
Coding change: c.863G>A on transcript NM_001194998.2 (MANE Select); coding-DNA position 863, G replaced by A.
Protein change: p.Arg288Gln; replaces arginine 288 with glutamine.
Molecular consequence: missense variant.
Genome position (GRCh38, 1-based): chr15:48,791,346, C>T on the plus strand (G>A on the coding strand, the complement: CEP152 is on the minus strand). VCF-style: chr15-48791346-C-T. GRCh37 (hg19) VCF-style: chr15-49083543-C-T.
Other names: c.863G>A, p.Arg288Gln (NM_014985.4); short protein forms R288Q.
Identifiers: ClinVar variation 1374147 (VCV001374147.9), dbSNP rs766223757, ClinGen allele CA7549004.

ClinVar aggregate classification (germline): Conflicting classifications of pathogenicity. Review status: criteria provided, conflicting classifications (1 of 4 stars). 2 submissions from 2 submitters: Uncertain significance (1); Likely benign (1). Last evaluated 2024-09-20.

Conditions:
Microcephaly 9, primary, autosomal recessive. Identifiers: Orphanet 2512, MedGen C3553886, MONDO:0013923, OMIM 614852.
Seckel syndrome 5 (SCKL5). Identifiers: Orphanet 808, MedGen C3151187, MONDO:0013443, OMIM 613823.

Allele frequency attached by ClinVar (database versions not stated): gnomAD exomes below 0.00001; ExAC 0.00001; gnomAD 0.00001.
gnomAD v4.1: 8 of 1,612,524 alleles (0.0005%); highest among the groups gnomAD compares: African/African-American, 0.0013%; no homozygotes.

Submissions (2):

3billion
Classification: Likely benign for Microcephaly 9, primary, autosomal recessive; Seckel syndrome 5. Last evaluated: 2024-09-20. Review status: criteria provided, single submitter. Criteria: ACMG Guidelines, 2015. Collection method: clinical testing. Allele origin: germline. Affected: no.
Comment: The homozygous variant was found in patients diagnosed with another variant in a different gene, with no symptoms related to the gene containing the homozygous variant.

Labcorp Genetics (formerly Invitae), Labcorp
Classification: Uncertain significance. Last evaluated: 2021-08-15. Review status: criteria provided, single submitter. Criteria: Invitae Variant Classification Sherloc (09022015). Collection method: clinical testing. Allele origin: germline.
Comment: In summary, the available evidence is currently insufficient to determine the role of this variant in disease. Therefore, it has been classified as a Variant of Uncertain Significance. Algorithms developed to predict the effect of missense changes on protein structure and function output the following: SIFT: "Tolerated"; PolyPhen-2: "Benign"; Align-GVGD: "Class C0". The glutamine amino acid residue is found in multiple mammalian species, suggesting that this missense change does not adversely affect protein function. These predictions have not been confirmed by published functional studies and their clinical significance is uncertain. This variant has not been reported in the literature in individuals with CEP152-related disease. This variant is present in population databases (rs766223757, ExAC 0.006%). This sequence change replaces arginine with glutamine at codon 288 of the CEP152 protein (p.Arg288Gln). The arginine residue is moderately conserved and there is a small physicochemical difference between arginine and glutamine.